The following is an entry in ClinVar:

NM_013382.7(POMT2):c.732_735del (p.Phe244fs)

Gene: POMT2 (protein O-mannosyltransferase 2; minus strand). Cytogenetic location: 14q24.3.
Variant type: Deletion.
Coding change: c.732_735del on transcript NM_013382.7 (MANE Select); coding-DNA positions 732 to 735, 4 bases deleted (TGTT; older notation c.732_735delTGTT).
Protein change: p.Phe244fs; shifts the reading frame from phenylalanine 244.
Molecular consequence: frameshift variant.
Genome position (GRCh38, 1-based): chr14:77,301,171-77,301,174, AACA deleted on the plus strand (TGTT on the coding strand, the reverse complement: POMT2 is on the minus strand); deleting any 4 consecutive bases within chr14:77,301,171-77,301,177 gives the same sequence; the c. name uses the placement nearest the transcript's 3' end. VCF-style (leftmost placement, unchanged base first): chr14-77301170-CAACA-C. GRCh37 (hg19) VCF-style: chr14-77767513-CAACA-C.
Other names: short protein forms F244fs.
Identifiers: ClinVar variation 5005352 (VCV005005352.2).

ClinVar aggregate classification (germline): Likely pathogenic (1 of 4 stars; one submission).

Conditions:
Muscular dystrophy-dystroglycanopathy (congenital with brain and eye anomalies), type A2. Also called: MUSCULAR DYSTROPHY-DYSTROGLYCANOPATHY (CONGENITAL WITH BRAIN AND EYE ANOMALIES), TYPE A, 2; WALKER-WARBURG SYNDROME OR MUSCLE-EYE-BRAIN DISEASE, POMT2-RELATED. Identifiers: Orphanet 588, Orphanet 899, MedGen C3150411, MONDO:0013154, OMIM 613150.
Muscular dystrophy-dystroglycanopathy (congenital with impaired intellectual development), type B, 2. Also called: MUSCULAR DYSTROPHY, CONGENITAL, POMT2-RELATED; Muscular dystrophy-dystroglycanopathy (congenital with intellectual disability), type B2. Identifiers: MedGen C3150416, MONDO:0013160, OMIM 613156.
Autosomal recessive limb-girdle muscular dystrophy type 2N. Also called: MUSCULAR DYSTROPHY-DYSTROGLYCANOPATHY, LIMB-GIRDLE, POMT2-RELATED; Muscular dystrophy-dystroglycanopathy (limb-girdle), type C, 2. Identifiers: Orphanet 206559, MedGen C3150418, MONDO:0013162, OMIM 613158.

Submission:

Juno Genomics, Hangzhou Juno Genomics, Inc
Classification: Likely pathogenic for Muscular dystrophy-dystroglycanopathy (congenital with impaired intellectual development), type B, 2; Muscular dystrophy-dystroglycanopathy (congenital with brain and eye anomalies), type A2; Autosomal recessive limb-girdle muscular dystrophy type 2N. Review status: criteria provided, single submitter. Criteria: ACMG Guidelines, 2015. Collection method: clinical testing. Allele origin: germline.
Comment: Null variant in a gene where loss of function (LOF) is a known mechanism of disease.;Absent from controls (or at extremely low frequency if recessive) in Genome Aggregation Database.